The following is an entry in ClinVar:

ClinVar aggregate classification (germline): Uncertain significance (1 of 4 stars; one submission).

gnomAD v4.1: 8 of 1,613,220 alleles (0.0005%); highest among the groups gnomAD compares: South Asian, 0.0044%; no homozygotes.

Submission:

GeneDx
Classification: Uncertain significance. Last evaluated: 2024-12-13. Review status: criteria provided, single submitter. Criteria: GeneDx Variant Classification Process June 2021. Collection method: clinical testing. Allele origin: germline. Affected: yes.
Comment: Not observed at significant frequency in large population cohorts (gnomAD); Missense variant in a gene in which most reported pathogenic variants are truncating/loss of function; Has not been previously published as pathogenic or benign to our knowledge

NM_001267550.2(TTN):c.74536G>A (p.Val24846Ile)

Genes: TTN-AS1 (TTN antisense RNA 1; plus strand), TTN (titin; minus strand). Cytogenetic location: 2q31.2.
Variant type: single nucleotide variant.
Coding change: c.74536G>A on transcript NM_001267550.2 (MANE Select); coding-DNA position 74536, G replaced by A.
Protein change: p.Val24846Ile; replaces valine 24846 with isoleucine.
Molecular consequence: missense variant.
Genome position (GRCh38, 1-based): chr2:178,571,596, C>T on the plus strand (G>A on the coding strand, the complement: TTN is on the minus strand). VCF-style: chr2-178571596-C-T. GRCh37 (hg19) VCF-style: chr2-179436323-C-T.
Other names: c.69613G>A, p.Val23205Ile (NM_001256850.1); c.47341G>A, p.Val15781Ile (NM_003319.4); c.66832G>A, p.Val22278Ile (NM_133378.4); c.47716G>A, p.Val15906Ile (NM_133432.3); c.47917G>A, p.Val15973Ile (NM_133437.4); short protein forms V15781I, V15906I, V15973I, V22278I, V23205I, V24846I.
Identifiers: ClinVar variation 3903216 (VCV003903216.1).